The following is an entry in ClinVar:

ClinVar aggregate classification (germline): Pathogenic. Review status: criteria provided, multiple submitters, no conflicts (2 of 4 stars). 2 submissions from 2 submitters: Pathogenic (2). Last evaluated 2024-06-23.

Conditions:
Tyrosinase-positive oculocutaneous albinism (OCA2). Also called: ALBINISM II; Albinism, oculocutaneous, type II; Oculocutaneous albinism type 2. Identifiers: Orphanet 79432, MedGen C0268495, MONDO:0008746, OMIM 203200.

Allele frequency attached by ClinVar (database versions not stated): gnomAD exomes below 0.00001.
gnomAD v4.1: 1 of 1,614,136 alleles (0.000062%); highest among the groups gnomAD compares: African/African-American, 0.0013%; no homozygotes.

Submissions (2):

Myriad Genetics, Inc.
Classification: Pathogenic for Tyrosinase-positive oculocutaneous albinism. Last evaluated: 2024-06-23. Review status: criteria provided, single submitter. Criteria: Myriad Autosomal Dominant, Autosomal Recessive and X-Linked Classification Criteria (2023). Collection method: clinical testing. Allele origin: unknown.
Comment: NM_000275.2(OCA2):c.766C>T(Q256*) is expected to be pathogenic in the context of oculocutaneous albinism, OCA2-related. This variant is predicted to lead to an abnormal or absent protein product due to the creation of a premature termination codon in OCA2, a gene where loss-of-function variants are known to be pathogenic. Please note: this variant was assessed in the context of healthy population screening.

Labcorp Genetics (formerly Invitae), Labcorp
Classification: Pathogenic. Last evaluated: 2023-07-09. Review status: criteria provided, single submitter. Criteria: Invitae Variant Classification Sherloc (09022015). Collection method: clinical testing. Allele origin: germline.
Comment: For these reasons, this variant has been classified as Pathogenic. This variant has not been reported in the literature in individuals affected with OCA2-related conditions. This variant is not present in population databases (gnomAD no frequency). This sequence change creates a premature translational stop signal (p.Gln256*) in the OCA2 gene. It is expected to result in an absent or disrupted protein product. Loss-of-function variants in OCA2 are known to be pathogenic (PMID: 19865097, 21541274).

Literature cited by the submitters: PubMed 19865097 (cited by Labcorp Genetics (formerly Invitae), Labcorp); PubMed 21541274 (cited by Labcorp Genetics (formerly Invitae), Labcorp).

NM_000275.3(OCA2):c.766C>T (p.Gln256Ter)

Gene: OCA2 (OCA2 melanosomal transmembrane protein; minus strand). Cytogenetic location: 15q13.1.
Variant type: single nucleotide variant.
Coding change: c.766C>T on transcript NM_000275.3 (MANE Select); coding-DNA position 766, C replaced by T.
Protein change: p.Gln256Ter; replaces glutamine 256 with a stop codon.
Molecular consequence: nonsense.
Genome position (GRCh38, 1-based): chr15:28,018,438, G>A on the plus strand (C>T on the coding strand, the complement: OCA2 is on the minus strand). VCF-style: chr15-28018438-G-A. GRCh37 (hg19) VCF-style: chr15-28263584-G-A.
Other names: c.766C>T, p.Gln256Ter (NM_001300984.2); short protein forms Q256*.
Identifiers: ClinVar variation 2905113 (VCV002905113.4), dbSNP rs1940461548, ClinGen allele CA391366243.